The following is an entry in ClinVar:

ClinVar aggregate classification (germline): Uncertain significance (1 of 4 stars; one submission).

Conditions:
Nemaline myopathy 8 (NEM8). Also called: Nemaline myopathy 8, autosomal recessive. Identifiers: Orphanet 171430, MedGen C3809209, MONDO:0014138, OMIM 615348.

Allele frequency attached by ClinVar (database versions not stated): gnomAD exomes below 0.00001 and 0.00001; gnomAD 0.00001; TOPMed 0.00001.

Submission:

Labcorp Genetics (formerly Invitae), Labcorp
Classification: Uncertain significance for Nemaline myopathy 8. Last evaluated: 2022-02-10. Review status: criteria provided, single submitter. Criteria: Invitae Variant Classification Sherloc (09022015). Collection method: clinical testing. Allele origin: germline.
Comment: This sequence change replaces alanine, which is neutral and non-polar, with serine, which is neutral and polar, at codon 604 of the KLHL40 protein (p.Ala604Ser). This variant is present in population databases (no rsID available, gnomAD 0.01%). This variant has not been reported in the literature in individuals affected with KLHL40-related conditions. Algorithms developed to predict the effect of missense changes on protein structure and function (SIFT, PolyPhen-2, Align-GVGD) all suggest that this variant is likely to be tolerated. In summary, the available evidence is currently insufficient to determine the role of this variant in disease. Therefore, it has been classified as a Variant of Uncertain Significance.

NM_152393.4(KLHL40):c.1810G>T (p.Ala604Ser)

Gene: KLHL40 (kelch like family member 40; plus strand). Cytogenetic location: 3p22.1.
Variant type: single nucleotide variant.
Coding change: c.1810G>T on transcript NM_152393.4 (MANE Select); coding-DNA position 1810, G replaced by T.
Protein change: p.Ala604Ser; replaces alanine 604 with serine.
Molecular consequence: missense variant.
Genome position (GRCh38, 1-based): chr3:42,691,937, G>T. VCF-style: chr3-42691937-G-T. GRCh37 (hg19) VCF-style: chr3-42733429-G-T.
Other names: short protein forms A604S.
Identifiers: ClinVar variation 1507638 (VCV001507638.3), dbSNP rs1274671626, ClinGen allele CA352295521.